The following is an entry in ClinVar:

NM_000693.4(ALDH1A3):c.99+129G>A

Gene: ALDH1A3 (aldehyde dehydrogenase 1 family member A3; plus strand). Cytogenetic location: 15q26.3.
Variant type: single nucleotide variant.
Coding change: c.99+129G>A on transcript NM_000693.4 (MANE Select); 129 bases into the intron after coding-DNA position 99, G replaced by A.
Molecular consequence: intron variant.
Genome position (GRCh38, 1-based): chr15:100,880,135, G>A. VCF-style: chr15-100880135-G-A. GRCh37 (hg19) VCF-style: chr15-101420340-G-A.
Other names: c.99+129G>A (NM_001293815.2).
Identifiers: ClinVar variation 1711391 (VCV001711391.30), dbSNP rs1449040277, ClinGen allele CA620301753.

ClinVar aggregate classification (germline): Likely benign (1 of 4 stars; one submission).

Allele frequency attached by ClinVar (database versions not stated): TOPMed 0.00008; gnomAD 0.00015.
gnomAD v4.1: 54 of 564,012 alleles (0.0096%); highest among the groups gnomAD compares: Non-Finnish European, 0.011%; no homozygotes.

Submission:

CeGaT Center for Human Genetics Tuebingen
Classification: Likely benign. Last evaluated: 2022-07-01. Review status: criteria provided, single submitter. Criteria: CeGaT Center For Human Genetics Tuebingen Variant Classification Criteria Version 2. Collection method: clinical testing. Allele origin: germline. Affected: yes. Observed: 1 variant allele.
Comment: ALDH1A3: BP4, BP7